The following is an entry in ClinVar:

NM_016122.3(CEP83):c.455G>T (p.Arg152Leu)

Gene: CEP83 (centrosomal protein 83; minus strand). Cytogenetic location: 12q22.
Variant type: single nucleotide variant.
Coding change: c.455G>T on transcript NM_016122.3 (MANE Select); coding-DNA position 455, G replaced by T.
Protein change: p.Arg152Leu; replaces arginine 152 with leucine.
Molecular consequence: missense variant. On other transcripts: non-coding transcript variant (3), intron variant (2).
Genome position (GRCh38, 1-based): chr12:94,400,944, C>A on the plus strand (G>T on the coding strand, the complement: CEP83 is on the minus strand). VCF-style: chr12-94400944-C-A. GRCh37 (hg19) VCF-style: chr12-94794720-C-A.
Other names: c.455G>T, p.Arg152Leu (NM_001042399.2, NM_001346457.2, NM_001346460.2 and 3 more transcripts); c.143G>T, p.Arg48Leu (NM_001346458.2, NM_001346459.2, NM_001346462.2 and 2 more transcripts); c.324+10753G>T (NM_001368041.1); c.12+10753G>T (NM_001368042.1); short protein forms R48L, R152L.
Identifiers: ClinVar variation 1461809 (VCV001461809.8), dbSNP rs767118598, ClinGen allele CA386143156.

ClinVar aggregate classification (germline): Uncertain significance (1 of 4 stars; one submission).

Conditions:
Nephronophthisis 18 (NPHP18). Identifiers: Orphanet 655, MedGen C3890591, MONDO:0014374, OMIM 615862.

gnomAD v4.1: 1 of 1,506,456 alleles (0.000066%); highest among the groups gnomAD compares: African/African-American, 0.0014%; no homozygotes.

Submission:

Labcorp Genetics (formerly Invitae), Labcorp
Classification: Uncertain significance for Nephronophthisis 18. Last evaluated: 2024-10-15. Review status: criteria provided, single submitter. Criteria: Invitae Variant Classification Sherloc (09022015). Collection method: clinical testing. Allele origin: germline.
Comment: This sequence change replaces arginine, which is basic and polar, with leucine, which is neutral and non-polar, at codon 152 of the CEP83 protein (p.Arg152Leu). The frequency data for this variant in the population databases is considered unreliable, as metrics indicate poor data quality at this position in the gnomAD database. This variant has not been reported in the literature in individuals affected with CEP83-related conditions. ClinVar contains an entry for this variant (Variation ID: 1461809). Invitae Evidence Modeling of protein sequence and biophysical properties (such as structural, functional, and spatial information, amino acid conservation, physicochemical variation, residue mobility, and thermodynamic stability) indicates that this missense variant is expected to disrupt CEP83 protein function with a positive predictive value of 80%. In summary, the available evidence is currently insufficient to determine the role of this variant in disease. Therefore, it has been classified as a Variant of Uncertain Significance.